The following is an entry in ClinVar:

NM_006516.4(SLC2A1):c.1286G>A (p.Cys429Tyr)

Gene: SLC2A1 (solute carrier family 2 member 1; minus strand). Cytogenetic location: 1p34.2.
Variant type: single nucleotide variant.
Coding change: c.1286G>A on transcript NM_006516.4 (MANE Select); coding-DNA position 1286, G replaced by A.
Protein change: p.Cys429Tyr; replaces cysteine 429 with tyrosine.
Molecular consequence: missense variant.
Genome position (GRCh38, 1-based): chr1:42,927,234, C>T on the plus strand (G>A on the coding strand, the complement: SLC2A1 is on the minus strand). VCF-style: chr1-42927234-C-T. GRCh37 (hg19) VCF-style: chr1-43392905-C-T.
Other names: short protein forms C429Y.
Identifiers: ClinVar variation 1378206 (VCV001378206.6), dbSNP rs796053274, ClinGen allele CA339953565.

ClinVar aggregate classification (germline): Uncertain significance (1 of 4 stars; one submission).

Conditions:
GLUT1 deficiency syndrome 1, autosomal recessive. Identifiers: MedGen C3149117.

Submission:

Labcorp Genetics (formerly Invitae), Labcorp
Classification: Uncertain significance for GLUT1 deficiency syndrome 1, autosomal recessive. Last evaluated: 2021-08-28. Review status: criteria provided, single submitter. Criteria: Invitae Variant Classification Sherloc (09022015). Collection method: clinical testing. Allele origin: germline.
Comment: This sequence change replaces cysteine with tyrosine at codon 429 of the SLC2A1 protein (p.Cys429Tyr). The cysteine residue is moderately conserved and there is a large physicochemical difference between cysteine and tyrosine. In summary, the available evidence is currently insufficient to determine the role of this variant in disease. Therefore, it has been classified as a Variant of Uncertain Significance. Algorithms developed to predict the effect of missense changes on protein structure and function are either unavailable or do not agree on the potential impact of this missense change (SIFT: "Deleterious"; PolyPhen-2: "Probably Damaging"; Align-GVGD: "Class C0"). This variant has not been reported in the literature in individuals affected with SLC2A1-related conditions. This variant is not present in population databases (ExAC no frequency).